The following is an entry in ClinVar:

ClinVar aggregate classification (germline): Uncertain significance (1 of 4 stars; one submission).

Conditions:
Idiopathic generalized epilepsy. Also called: Generalised epilepsy; EIG. Identifiers: MedGen C0270850, MONDO:0005579, OMIM 600669.
Hyperaldosteronism, familial, type IV (HALD4). Also called: FH IV; ALDOSTERONISM, PRIMARY, AND HYPERTENSION. Identifiers: Orphanet 642671, MedGen C4310756, MONDO:0014875, OMIM 617027.

Allele frequency attached by ClinVar (database versions not stated): TOPMed below 0.00001.
gnomAD v4.1: 4 of 1,596,918 alleles (0.00025%); highest among the groups gnomAD compares: Non-Finnish European, 0.00026%; no homozygotes.

Submission:

Labcorp Genetics (formerly Invitae), Labcorp
Classification: Uncertain significance for Idiopathic generalized epilepsy; Hyperaldosteronism, familial, type IV. Last evaluated: 2022-09-06. Review status: criteria provided, single submitter. Criteria: Invitae Variant Classification Sherloc (09022015). Collection method: clinical testing. Allele origin: germline.
Comment: This variant has not been reported in the literature in individuals affected with CACNA1H-related conditions. In summary, the available evidence is currently insufficient to determine the role of this variant in disease. Therefore, it has been classified as a Variant of Uncertain Significance. Variants that disrupt the consensus splice site are a relatively common cause of aberrant splicing (PMID: 17576681, 9536098). Algorithms developed to predict the effect of sequence changes on RNA splicing suggest that this variant is not likely to affect RNA splicing. ClinVar contains an entry for this variant (Variation ID: 972377). This variant is not present in population databases (gnomAD no frequency). This sequence change falls in intron 32 of the CACNA1H gene. It does not directly change the encoded amino acid sequence of the CACNA1H protein. It affects a nucleotide within the consensus splice site.

Literature cited by the submitters: PubMed 17576681; PubMed 9536098.

NM_021098.3(CACNA1H):c.5445+5C>T

Gene: CACNA1H (calcium voltage-gated channel subunit alpha1 H; plus strand). Cytogenetic location: 16p13.3.
Variant type: single nucleotide variant.
Coding change: c.5445+5C>T on transcript NM_021098.3 (MANE Select); 5 bases into the intron after coding-DNA position 5445, C replaced by T.
Molecular consequence: intron variant.
Genome position (GRCh38, 1-based): chr16:1,218,045, C>T. VCF-style: chr16-1218045-C-T. GRCh37 (hg19) VCF-style: chr16-1268045-C-T.
Other names: c.5427+5C>T (NM_001005407.2).
Identifiers: ClinVar variation 972377 (VCV000972377.10), dbSNP rs963438880, ClinGen allele CA276612247.